The following is an entry in ClinVar:

NM_000287.4(PEX6):c.1417G>A (p.Gly473Ser)

Gene: PEX6 (peroxisomal biogenesis factor 6; minus strand). Cytogenetic location: 6p21.1.
Variant type: single nucleotide variant.
Coding change: c.1417G>A on transcript NM_000287.4 (MANE Select); coding-DNA position 1417, G replaced by A.
Protein change: p.Gly473Ser; replaces glycine 473 with serine.
Molecular consequence: missense variant. On other transcripts: non-coding transcript variant (1).
Genome position (GRCh38, 1-based): chr6:42,968,936, C>T on the plus strand (G>A on the coding strand, the complement: PEX6 is on the minus strand). VCF-style: chr6-42968936-C-T. GRCh37 (hg19) VCF-style: chr6-42936674-C-T.
Other names: c.1153G>A, p.Gly385Ser (NM_001316313.2); short protein forms G473S, G385S.
Identifiers: ClinVar variation 594564 (VCV000594564.11), dbSNP rs774874010, ClinGen allele CA3811330.

ClinVar aggregate classification (germline): Uncertain significance. Review status: criteria provided, multiple submitters, no conflicts (2 of 4 stars). 5 submissions from 5 submitters: Uncertain significance (4). 1 of the submissions does not count toward it. Last evaluated 2025-06-18.

Conditions:
Zellweger spectrum disorders (ZS). Also called: Zellweger Spectrum Disorder; Zellweger Spectrum; Zellweger syndrome; Zellweger Spectrum Disorder (ZSD). Identifiers: Orphanet 912, MedGen C0043459, MONDO:0019609.
PEX6-related disorder. Also called: PEX6-related condition; PEX6-related disorders.
Peroxisome biogenesis disorder. Identifiers: Orphanet 79189, MedGen C1832200, MONDO:0019234. Disease mechanism: loss of function.

Allele frequency attached by ClinVar (database versions not stated): gnomAD 0.00001; TOPMed 0.00001; gnomAD exomes 0.00002; ExAC 0.00004.
gnomAD v4.1: 14 of 1,614,032 alleles (0.00087%); highest among the groups gnomAD compares: Middle Eastern, 0.033%; no homozygotes.

Submissions (5):

PreventionGenetics, part of Exact Sciences
Classification: Uncertain significance for PEX6-related condition. Last evaluated: 2025-06-18. Review status: criteria provided, single submitter. Criteria: ACMG Guidelines, 2015. Collection method: clinical testing. Allele origin: germline.
Comment: The PEX6 c.1417G>A variant is predicted to result in the amino acid substitution p.Gly473Ser. To our knowledge, this variant has not been reported in PEX6 related disease. This variant is reported in 0.0058% of alleles in individuals of Latino descent in gnomAD. At this time, the clinical significance of this variant is uncertain due to the absence of conclusive functional and genetic evidence.

Labcorp Genetics (formerly Invitae), Labcorp
Classification: Uncertain significance for Peroxisome biogenesis disorder. Last evaluated: 2024-10-24. Review status: criteria provided, single submitter. Criteria: Invitae Variant Classification Sherloc (09022015). Collection method: clinical testing. Allele origin: germline.
Comment: This sequence change replaces glycine, which is neutral and non-polar, with serine, which is neutral and polar, at codon 473 of the PEX6 protein (p.Gly473Ser). This variant is present in population databases (rs774874010, gnomAD 0.006%). This variant has not been reported in the literature in individuals affected with PEX6-related conditions. ClinVar contains an entry for this variant (Variation ID: 594564). Invitae Evidence Modeling of protein sequence and biophysical properties (such as structural, functional, and spatial information, amino acid conservation, physicochemical variation, residue mobility, and thermodynamic stability) indicates that this missense variant is not expected to disrupt PEX6 protein function with a negative predictive value of 80%. In summary, the available evidence is currently insufficient to determine the role of this variant in disease. Therefore, it has been classified as a Variant of Uncertain Significance.

Blueprint Genetics
Classification: Uncertain significance. Last evaluated: 2024-10-15. Review status: criteria provided, single submitter. Criteria: ACMG Guidelines, 2015. Collection method: clinical testing. Allele origin: germline.

Eurofins Ntd Llc (ga)
Classification: Uncertain significance. Last evaluated: 2017-10-17. Review status: criteria provided, single submitter. Criteria: EGL Classification Definitions 2015. Collection method: clinical testing. Allele origin: germline. Observed: 1 variant allele, 1 heterozygote.

Natera, Inc.
Classification: Uncertain significance for Zellweger syndrome. Last evaluated: 2019-10-28. Review status: no assertion criteria provided. Collection method: clinical testing. Allele origin: germline. Not counted in ClinVar's aggregate classification.